The following is an entry in ClinVar:

ClinVar aggregate classification (germline): Uncertain significance (1 of 4 stars; one submission).

Conditions:
Hajdu-Cheney syndrome (HJCYS). Also called: ACROOSTEOLYSIS WITH OSTEOPOROSIS AND CHANGES IN SKULL AND MANDIBLE; SERPENTINE FIBULA-POLYCYSTIC KIDNEY SYNDROME; Acroosteolysis dominant type. Identifiers: Orphanet 955, MedGen C0917715, MONDO:0007057, OMIM 102500.

Allele frequency attached by ClinVar (database versions not stated): gnomAD exomes below 0.00001.
gnomAD v4.1: 2 of 1,614,186 alleles (0.00012%); highest among the groups gnomAD compares: East Asian, 0.0022%; no homozygotes.

Submission:

Labcorp Genetics (formerly Invitae), Labcorp
Classification: Uncertain significance for Hajdu-Cheney syndrome. Last evaluated: 2022-12-26. Review status: criteria provided, single submitter. Criteria: Invitae Variant Classification Sherloc (09022015). Collection method: clinical testing. Allele origin: germline.
Comment: This sequence change replaces serine, which is neutral and polar, with threonine, which is neutral and polar, at codon 1609 of the NOTCH2 protein (p.Ser1609Thr). This variant is present in population databases (no rsID available, gnomAD 0.006%). This variant has not been reported in the literature in individuals affected with NOTCH2-related conditions. Advanced modeling of protein sequence and biophysical properties (such as structural, functional, and spatial information, amino acid conservation, physicochemical variation, residue mobility, and thermodynamic stability) performed at Invitae indicates that this missense variant is not expected to disrupt NOTCH2 protein function. In summary, the available evidence is currently insufficient to determine the role of this variant in disease. Therefore, it has been classified as a Variant of Uncertain Significance.

NM_024408.4(NOTCH2):c.4825T>A (p.Ser1609Thr)

Gene: NOTCH2 (notch receptor 2; minus strand). Cytogenetic location: 1p12.
Variant type: single nucleotide variant.
Coding change: c.4825T>A on transcript NM_024408.4 (MANE Select); coding-DNA position 4825, T replaced by A.
Protein change: p.Ser1609Thr; replaces serine 1609 with threonine.
Molecular consequence: missense variant.
Genome position (GRCh38, 1-based): chr1:119,923,671, A>T on the plus strand (T>A on the coding strand, the complement: NOTCH2 is on the minus strand). VCF-style: chr1-119923671-A-T. GRCh37 (hg19) VCF-style: chr1-120466294-A-T.
Other names: short protein forms S1609T.
Identifiers: ClinVar variation 2794920 (VCV002794920.3), dbSNP rs1454245868, ClinGen allele CA341888476.